The following is an entry in ClinVar:

NM_001184900.3(CARD8):c.271G>A (p.Glu91Lys)

Gene: CARD8 (caspase recruitment domain family member 8; minus strand). Cytogenetic location: 19q13.33.
Variant type: single nucleotide variant.
Coding change: c.271G>A on transcript NM_001184900.3 (MANE Select); coding-DNA position 271, G replaced by A.
Protein change: p.Glu91Lys; replaces glutamic acid 91 with lysine.
Molecular consequence: missense variant. On other transcripts: 5 prime UTR variant (6), synonymous variant (1), non-coding transcript variant (4).
Genome position (GRCh38, 1-based): chr19:48,234,482, C>T on the plus strand (G>A on the coding strand, the complement: CARD8 is on the minus strand). VCF-style: chr19-48234482-C-T. GRCh37 (hg19) VCF-style: chr19-48737739-C-T.
Other names: c.121G>A, p.Glu41Lys (NM_001184901.1, NM_001351783.2, NM_001351788.2 and 2 more transcripts); c.271G>A, p.Glu91Lys (NM_001184902.2, NM_001184903.1, NM_001351782.2); c.-4G>A (NM_001351784.2, NM_001351787.2, NM_001351791.2 and 2 more transcripts); c.-218G>A (NM_001351786.2); c.69G>A, p.Lys23= (NM_001351790.2); c.-511G>A (NM_001426741.1); short protein forms E41K, E91K.
Identifiers: ClinVar variation 2984485 (VCV002984485.3), dbSNP rs766228374, ClinGen allele CA9548109.
Genomic context (GRCh38, chr19:48,234,482, plus strand): 5'-ATAGTTGACACTCAGGAACAGCACGGAACAATAATGGCTCTGCCTCTGTCTCATCATCTT[C>T]TTGGAAAAAATGTGAGATGTCACAAAGGGTCTCAGAAACACAGGGTAGCTCCCTGTATAC-3'
Protein context (NP_001171829.1, residues 81-101): TLCDISHFFQ[Glu91Lys]DDETEAEPLL

ClinVar aggregate classification (germline): Uncertain significance (1 of 4 stars; one submission).

Allele frequency attached by ClinVar (database versions not stated): ExAC 0.00001; TOPMed 0.00001; gnomAD exomes 0.00002.
gnomAD v4.1: 28 of 1,613,908 alleles (0.0017%); highest among the groups gnomAD compares: Non-Finnish European, 0.0021%; no homozygotes.

Submission:

Labcorp Genetics (formerly Invitae), Labcorp
Classification: Uncertain significance. Last evaluated: 2023-08-24. Review status: criteria provided, single submitter. Criteria: Invitae Variant Classification Sherloc (09022015). Collection method: clinical testing. Allele origin: germline.
Comment: This sequence change replaces glutamic acid, which is acidic and polar, with lysine, which is basic and polar, at codon 41 of the CARD8 protein (p.Glu41Lys). This variant is present in population databases (rs766228374, gnomAD 0.002%). This variant has not been reported in the literature in individuals affected with CARD8-related conditions. An algorithm developed to predict the effect of missense changes on protein structure and function (PolyPhen-2) suggests that this variant is likely to be tolerated. In summary, the available evidence is currently insufficient to determine the role of this variant in disease. Therefore, it has been classified as a Variant of Uncertain Significance.